The following is an entry in ClinVar:

NM_004369.4(COL6A3):c.838C>G (p.Arg280Gly)

Gene: COL6A3 (collagen type VI alpha 3 chain; minus strand). Cytogenetic location: 2q37.3.
Variant type: single nucleotide variant.
Coding change: c.838C>G on transcript NM_004369.4 (MANE Select); coding-DNA position 838, C replaced by G.
Protein change: p.Arg280Gly; replaces arginine 280 with glycine.
Molecular consequence: missense variant. On other transcripts: intron variant (2).
Genome position (GRCh38, 1-based): chr2:237,388,056, G>C on the plus strand (C>G on the coding strand, the complement: COL6A3 is on the minus strand). VCF-style: chr2-237388056-G-C. GRCh37 (hg19) VCF-style: chr2-238296699-G-C.
Other names: c.220C>G, p.Arg74Gly (NM_057165.5, NM_057167.4); c.92-6557C>G (NM_057166.5, NM_057164.5); short protein forms R280G, R74G.
Identifiers: ClinVar variation 2772126 (VCV002772126.3), dbSNP rs549047014, ClinGen allele CA351223552.

ClinVar aggregate classification (germline): Uncertain significance (1 of 4 stars; one submission).

Conditions:
Bethlem myopathy 1A. Also called: Bethlem myopathy 1; MYOPATHY, BENIGN CONGENITAL, WITH CONTRACTURES; Bethlem Muscular Dystrophy. Identifiers: Orphanet 610, MedGen CN029274, MONDO:0024530, OMIM 158810.

Allele frequency attached by ClinVar (database versions not stated): TOPMed below 0.00001.
gnomAD v4.1: 3 of 1,614,198 alleles (0.00019%); highest among the groups gnomAD compares: Non-Finnish European, 0.00017%; no homozygotes.

Submission:

Labcorp Genetics (formerly Invitae), Labcorp
Classification: Uncertain significance for Bethlem myopathy 1A. Last evaluated: 2025-10-20. Review status: criteria provided, single submitter. Criteria: Invitae Variant Classification Sherloc (09022015). Collection method: clinical testing. Allele origin: germline.
Comment: This sequence change replaces arginine, which is basic and polar, with glycine, which is neutral and non-polar, at codon 280 of the COL6A3 protein (p.Arg280Gly). This variant is not present in population databases (gnomAD no frequency). This variant has not been reported in the literature in individuals affected with COL6A3-related conditions. ClinVar contains an entry for this variant (Variation ID: 2772126). Invitae Evidence Modeling of protein sequence and biophysical properties (such as structural, functional, and spatial information, amino acid conservation, physicochemical variation, residue mobility, and thermodynamic stability) indicates that this missense variant is not expected to disrupt COL6A3 protein function with a negative predictive value of 95%. In summary, the available evidence is currently insufficient to determine the role of this variant in disease. Therefore, it has been classified as a Variant of Uncertain Significance.